The following is an entry in ClinVar:

ClinVar aggregate classification (germline): Uncertain significance (1 of 4 stars; one submission).

Conditions:
Developmental and epileptic encephalopathy, 32 (DEE32). Also called: Epileptic encephalopathy, early infantile, 32. Identifiers: Orphanet 442835, MedGen C4225350, MONDO:0014607, OMIM 616366.

Submission:

Labcorp Genetics (formerly Invitae), Labcorp
Classification: Uncertain significance for Developmental and epileptic encephalopathy, 32. Last evaluated: 2024-12-02. Review status: criteria provided, single submitter. Criteria: Invitae Variant Classification Sherloc (09022015). Collection method: clinical testing. Allele origin: germline.
Comment: This sequence change replaces threonine, which is neutral and polar, with alanine, which is neutral and non-polar, at codon 46 of the KCNA2 protein (p.Thr46Ala). This variant is not present in population databases (gnomAD no frequency). This variant has not been reported in the literature in individuals affected with KCNA2-related conditions. Invitae Evidence Modeling of protein sequence and biophysical properties (such as structural, functional, and spatial information, amino acid conservation, physicochemical variation, residue mobility, and thermodynamic stability) has been performed for this missense variant. However, the output from this modeling did not meet the statistical confidence thresholds required to predict the impact of this variant on KCNA2 protein function. In summary, the available evidence is currently insufficient to determine the role of this variant in disease. Therefore, it has been classified as a Variant of Uncertain Significance.

NM_004974.4(KCNA2):c.136A>G (p.Thr46Ala)

Gene: KCNA2 (potassium voltage-gated channel subfamily A member 2; minus strand). Cytogenetic location: 1p13.3.
Variant type: single nucleotide variant.
Coding change: c.136A>G on transcript NM_004974.4 (MANE Select); coding-DNA position 136, A replaced by G.
Protein change: p.Thr46Ala; replaces threonine 46 with alanine.
Molecular consequence: missense variant.
Genome position (GRCh38, 1-based): chr1:110,604,647, T>C on the plus strand (A>G on the coding strand, the complement: KCNA2 is on the minus strand). VCF-style: chr1-110604647-T-C. GRCh37 (hg19) VCF-style: chr1-111147269-T-C.
Other names: c.136A>G, p.Thr46Ala (NM_001204269.2); short protein forms T46A.
Identifiers: ClinVar variation 3656935 (VCV003656935.2).